The following is an entry in ClinVar:

ClinVar aggregate classification (germline): Uncertain significance (1 of 4 stars; one submission).

gnomAD v4.1: 34 of 1,606,314 alleles (0.0021%); highest among the groups gnomAD compares: Non-Finnish European, 0.0027%; no homozygotes.

Submission:

Labcorp Genetics (formerly Invitae), Labcorp
Classification: Uncertain significance. Last evaluated: 2024-03-20. Review status: criteria provided, single submitter. Criteria: Invitae Variant Classification Sherloc (09022015). Collection method: clinical testing. Allele origin: germline.
Comment: This sequence change replaces arginine, which is basic and polar, with histidine, which is basic and polar, at codon 91 of the POMP protein (p.Arg91His). This variant is present in population databases (rs765987940, gnomAD 0.005%). This variant has not been reported in the literature in individuals affected with POMP-related conditions. An algorithm developed to predict the effect of missense changes on protein structure and function (PolyPhen-2) suggests that this variant is likely to be tolerated. In summary, the available evidence is currently insufficient to determine the role of this variant in disease. Therefore, it has been classified as a Variant of Uncertain Significance.

NM_015932.6(POMP):c.272G>A (p.Arg91His)

Gene: POMP (proteasome maturation protein; plus strand). Cytogenetic location: 13q12.3.
Variant type: single nucleotide variant.
Coding change: c.272G>A on transcript NM_015932.6 (MANE Select); coding-DNA position 272, G replaced by A.
Protein change: p.Arg91His; replaces arginine 91 with histidine.
Molecular consequence: missense variant.
Genome position (GRCh38, 1-based): chr13:28,672,346, G>A. VCF-style: chr13-28672346-G-A. GRCh37 (hg19) VCF-style: chr13-29246483-G-A.
Other names: short protein forms R91H.
Identifiers: ClinVar variation 3662967 (VCV003662967.2).